The following is an entry in ClinVar:

ClinVar aggregate classification (germline): Uncertain significance (1 of 4 stars; one submission).

Conditions:
Aortic aneurysm, familial thoracic 4 (AAT4). Also called: AORTIC ANEURYSM/AORTIC DISSECTION AND PATENT DUCTUS ARTERIOSUS. Identifiers: MedGen C1851504, MONDO:0007568, OMIM 132900.

Allele frequency attached by ClinVar (database versions not stated): gnomAD exomes below 0.00001.
gnomAD v4.1: 1 of 1,614,164 alleles (0.000062%); highest among the groups gnomAD compares: Non-Finnish European, 0.000085%; no homozygotes.

Submission:

Labcorp Genetics (formerly Invitae), Labcorp
Classification: Uncertain significance for Aortic aneurysm, familial thoracic 4. Last evaluated: 2025-05-01. Review status: criteria provided, single submitter. Criteria: Invitae Variant Classification Sherloc (09022015). Collection method: clinical testing. Allele origin: germline.
Comment: This sequence change replaces glycine, which is neutral and non-polar, with aspartic acid, which is acidic and polar, at codon 565 of the MYH11 protein (p.Gly565Asp). This variant is not present in population databases (gnomAD no frequency). This variant has not been reported in the literature in individuals affected with MYH11-related conditions. ClinVar contains an entry for this variant (Variation ID: 2839909). Invitae Evidence Modeling of protein sequence and biophysical properties (such as structural, functional, and spatial information, amino acid conservation, physicochemical variation, residue mobility, and thermodynamic stability) indicates that this missense variant is not expected to disrupt MYH11 protein function with a negative predictive value of 95%. In summary, the available evidence is currently insufficient to determine the role of this variant in disease. Therefore, it has been classified as a Variant of Uncertain Significance.

NM_002474.3(MYH11):c.1673G>A (p.Gly558Asp)

Gene: MYH11 (myosin heavy chain 11; minus strand). Cytogenetic location: 16p13.11.
Variant type: single nucleotide variant.
Coding change: c.1673G>A on transcript NM_002474.3 (MANE Select); coding-DNA position 1673, G replaced by A.
Protein change: p.Gly558Asp; replaces glycine 558 with aspartic acid.
Molecular consequence: missense variant.
Genome position (GRCh38, 1-based): chr16:15,756,417, C>T on the plus strand (G>A on the coding strand, the complement: MYH11 is on the minus strand). VCF-style: chr16-15756417-C-T. GRCh37 (hg19) VCF-style: chr16-15850274-C-T.
Other names: c.1694G>A, p.Gly565Asp (NM_001040113.2, NM_001040114.2); c.1673G>A, p.Gly558Asp (NM_022844.3); short protein forms G558D, G565D.
Identifiers: ClinVar variation 2839909 (VCV002839909.3), dbSNP rs2506358608, ClinGen allele CA394870403.
Genomic context (GRCh38, chr16:15,756,417, plus strand): 5'-ATGATGGAGAACTCAGTCTTGTCCTTGAGCTGCTTGGGCTTCTGGAACTTGGGGTGGCTG[C>T]CCTGCTCCGTGCACAGCTTCTCCACGAAAGACTTGTCCGTGGCTTTGGGGAACCAGCATT-3'
Protein context (NP_002465.1, residues 548-568): SFVEKLCTEQ[Gly558Asp]SHPKFQKPKQ